The following is an entry in ClinVar:

NM_001378609.3(OTOGL):c.2928+4G>A

Gene: OTOGL (otogelin like; plus strand). Cytogenetic location: 12q21.31.
Variant type: single nucleotide variant.
Coding change: c.2928+4G>A on transcript NM_001378609.3 (MANE Select); 4 bases into the intron after coding-DNA position 2928, G replaced by A.
Molecular consequence: intron variant.
Genome position (GRCh38, 1-based): chr12:80,279,170, G>A. VCF-style: chr12-80279170-G-A. GRCh37 (hg19) VCF-style: chr12-80672950-G-A.
Other names: c.2928+4G>A (NM_001368062.3, NM_001378610.3, NM_173591.7).
Identifiers: ClinVar variation 1387147 (VCV001387147.6), dbSNP rs1884031348, ClinGen allele CA2049171893.

ClinVar aggregate classification (germline): Uncertain significance (1 of 4 stars; one submission).

Submission:

Labcorp Genetics (formerly Invitae), Labcorp
Classification: Uncertain significance. Last evaluated: 2023-07-07. Review status: criteria provided, single submitter. Criteria: Invitae Variant Classification Sherloc (09022015). Collection method: clinical testing. Allele origin: germline.
Comment: This sequence change falls in intron 25 of the OTOGL gene. It does not directly change the encoded amino acid sequence of the OTOGL protein. It affects a nucleotide within the consensus splice site. This variant is not present in population databases (gnomAD no frequency). This variant has not been reported in the literature in individuals affected with OTOGL-related conditions. ClinVar contains an entry for this variant (Variation ID: 1387147). Variants that disrupt the consensus splice site are a relatively common cause of aberrant splicing (PMID: 17576681, 9536098). Algorithms developed to predict the effect of sequence changes on RNA splicing suggest that this variant is not likely to affect RNA splicing. In summary, the available evidence is currently insufficient to determine the role of this variant in disease. Therefore, it has been classified as a Variant of Uncertain Significance.

Literature cited by the submitters: PubMed 17576681; PubMed 9536098.